The following is an entry in ClinVar:

NM_000186.4(CFH):c.2723C>G (p.Ser908Cys)

Gene: CFH (complement factor H; plus strand). Cytogenetic location: 1q31.3.
Variant type: single nucleotide variant.
Coding change: c.2723C>G on transcript NM_000186.4 (MANE Select); coding-DNA position 2723, C replaced by G.
Protein change: p.Ser908Cys; replaces serine 908 with cysteine.
Molecular consequence: missense variant.
Genome position (GRCh38, 1-based): chr1:196,737,601, C>G. VCF-style: chr1-196737601-C-G. GRCh37 (hg19) VCF-style: chr1-196706731-C-G.
Other names: short protein forms S908C.
Identifiers: ClinVar variation 4716414 (VCV004716414.1).

ClinVar aggregate classification (germline): Uncertain significance (1 of 4 stars; one submission).

gnomAD v4.1: 1 of 1,613,358 alleles (0.000062%); highest among the groups gnomAD compares: Non-Finnish European, 0.000085%; no homozygotes.

Submission:

Labcorp Genetics (formerly Invitae), Labcorp
Classification: Uncertain significance. Last evaluated: 2025-03-31. Review status: criteria provided, single submitter. Criteria: Invitae Variant Classification Sherloc (09022015). Collection method: clinical testing. Allele origin: germline.
Comment: This sequence change replaces serine, which is neutral and polar, with cysteine, which is neutral and slightly polar, at codon 908 of the CFH protein (p.Ser908Cys). This variant is not present in population databases (gnomAD no frequency). This variant has not been reported in the literature in individuals affected with CFH-related conditions. An algorithm developed to predict the effect of missense changes on protein structure and function (PolyPhen-2) suggests that this variant is likely to be disruptive. In summary, the available evidence is currently insufficient to determine the role of this variant in disease. Therefore, it has been classified as a Variant of Uncertain Significance.